The following is an entry in ClinVar:

NM_005012.4(ROR1):c.2064T>G (p.Phe688Leu)

Gene: ROR1 (receptor tyrosine kinase like orphan receptor 1; plus strand). Cytogenetic location: 1p31.3.
Variant type: single nucleotide variant.
Coding change: c.2064T>G on transcript NM_005012.4 (MANE Select); coding-DNA position 2064, T replaced by G.
Protein change: p.Phe688Leu; replaces phenylalanine 688 with leucine.
Molecular consequence: missense variant.
Genome position (GRCh38, 1-based): chr1:64,178,105, T>G. VCF-style: chr1-64178105-T-G. GRCh37 (hg19) VCF-style: chr1-64643788-T-G.
Other names: short protein forms F688L.
Identifiers: ClinVar variation 3641129 (VCV003641129.2).

ClinVar aggregate classification (germline): Uncertain significance (1 of 4 stars; one submission).

gnomAD v4.1: 289 of 1,614,180 alleles (0.018%); highest among the groups gnomAD compares: Non-Finnish European, 0.023%; no homozygotes.

Submission:

Labcorp Genetics (formerly Invitae), Labcorp
Classification: Uncertain significance. Last evaluated: 2026-02-02. Review status: criteria provided, single submitter. Criteria: Invitae Variant Classification Sherloc (09022015). Collection method: clinical testing. Allele origin: germline.
Comment: This sequence change replaces phenylalanine, which is neutral and non-polar, with leucine, which is neutral and non-polar, at codon 688 of the ROR1 protein (p.Phe688Leu). This variant is present in population databases (rs200464688, gnomAD 0.02%). This variant has not been reported in the literature in individuals affected with ROR1-related conditions. ClinVar contains an entry for this variant (Variation ID: 3641129). Invitae Evidence Modeling of protein sequence and biophysical properties (such as structural, functional, and spatial information, amino acid conservation, physicochemical variation, residue mobility, and thermodynamic stability) has been performed for this missense variant. However, the output from this modeling did not meet the statistical confidence thresholds required to predict the impact of this variant on ROR1 protein function. In summary, the available evidence is currently insufficient to determine the role of this variant in disease. Therefore, it has been classified as a Variant of Uncertain Significance.